The following is an entry in ClinVar:

NM_001034853.2(RPGR):c.1059+1G>T

Gene: RPGR (retinitis pigmentosa GTPase regulator; minus strand). Cytogenetic location: Xp11.4.
Variant type: single nucleotide variant.
Coding change: c.1059+1G>T on transcript NM_001034853.2 (MANE Select); the canonical splice donor site of the intron after coding-DNA position 1059, G replaced by T.
Molecular consequence: splice donor variant.
Genome position (GRCh38, 1-based): chrX:38,301,246, C>A on the plus strand (G>T on the coding strand, the complement: RPGR is on the minus strand). VCF-style: chrX-38301246-C-A. GRCh37 (hg19) VCF-style: chrX-38160499-C-A.
Other names: NM_001034853.2:c.1059+1G>T; c.1056+1G>T (NM_001367249.1, NM_001367250.1, NM_001367245.1); c.1059+1G>T (NM_001367251.1, NM_001367246.1, NM_001367247.1 and 1 more transcripts); c.1089+1G>T (NM_001367248.1).
Identifiers: ClinVar variation 4976904 (VCV004976904.1).
Genomic context (GRCh38, chrX:38,301,246, plus strand): 5'-ATACTGAAAGACTCAAATACAGTAATATGAAAATATAAACAGGGAAATGTGATGCCCTTA[C>A]CAATTTAACTATAAACCTCAAAAAATTAGAGCACAAAGTAGGAATGAAGTGATTGGTAAA-3'

ClinVar aggregate classification (germline): Pathogenic (3 of 4 stars; one submission).

Conditions:
RPGR-related retinopathy. Also called: RPGR retinopathy. Identifiers: MedGen CN305589, MONDO:0100437.

Submission:

ClinGen X-linked Inherited Retinal Disease Variant Curation Expert Panel, ClinGen
Classification: Pathogenic for RPGR-related retinopathy. Last evaluated: 2026-09-26. Review status: reviewed by expert panel. Criteria: ClinGen X LinkedIRD ACMG Specifications RPGR V1.0.0. Collection method: curation. Allele origin: germline. Inheritance: X-linked inheritance.
Comment: The NM_001034853.2(RPGR):c.1059+1G>T variant is a canonical splice site variant in intron 9, located 1 nucleotide after exon 9. This variant occurs at a canonical splice site in intron 9 and is predicted to disrupt splicing and induce skipping of exon 9, which is expected to introduce a premature stop codon in RPGR (PVS1). This variant is absent from hemizygous individuals in gnomAD v4.1.0 (PM2_Supporting). The variant has been reported to segregate with retinal dystrophy through at least 3 affected meioses from 1 family. (PP1_moderate; PMID: 28294154). At least one proband harboring this variant exhibits a phenotype including X-linked inheritance (2 pt), first decade onset (1 pt), nyctalopia (0.5 pt), optic nerve pallor (0.5 pt), pigmentary retinopathy (0.5 pt), decreased central vision acuity (0.5 pt), which together are specific for RPGR-related retinopathy (5 points, PMID: 28294154, PP4). In summary, this variant is classified as pathogenic for RPGR-related retinopathy based on the ClinGen X-linked Inherited Retinal Disease Expert Panel Specifications to the ACMG/AMP Variant Interpretation Guidelines for RPGR Version 1.0.0: PVS1, PP1_moderate, PP4, and PM2_supporting.